The following is an entry in ClinVar:

ClinVar aggregate classification (germline): Pathogenic (1 of 4 stars; one submission).

Conditions:
Cone-rod dystrophy 2 (CORD2). Also called: CONE-ROD RETINAL DYSTROPHY; Cone-rod retinal dystrophy 2. Identifiers: Orphanet 1872, MedGen C3489532, MONDO:0007362, OMIM 120970.
Leber congenital amaurosis 7 (LCA7). Identifiers: Orphanet 65, MedGen C3151192, MONDO:0013449, OMIM 613829.

Submission:

Labcorp Genetics (formerly Invitae), Labcorp
Classification: Pathogenic for Cone-rod dystrophy 2; Leber congenital amaurosis 7. Last evaluated: 2024-09-14. Review status: criteria provided, single submitter. Criteria: Invitae Variant Classification Sherloc (09022015). Collection method: clinical testing. Allele origin: germline.
Comment: This sequence change creates a premature translational stop signal (p.Ala158Profs*29) in the CRX gene. While this is not anticipated to result in nonsense mediated decay, it is expected to disrupt the last 142 amino acid(s) of the CRX protein. This variant is not present in population databases (gnomAD no frequency). This variant has not been reported in the literature in individuals affected with CRX-related conditions. This variant disrupts a region of the CRX protein in which other variant(s) (p.Tyr258*) have been determined to be pathogenic (PMID: 22968130, 25270190). This suggests that this is a clinically significant region of the protein, and that variants that disrupt it are likely to be disease-causing. For these reasons, this variant has been classified as Pathogenic.

Literature cited by the submitters: PubMed 22968130; PubMed 25270190.

NM_000554.6(CRX):c.472del (p.Ala158fs)

Gene: CRX (cone-rod homeobox; plus strand). Cytogenetic location: 19q13.33.
Variant type: Deletion.
Coding change: c.472del on transcript NM_000554.6 (MANE Select); coding-DNA position 472, one base deleted (G; older notation c.472delG).
Protein change: p.Ala158fs; shifts the reading frame from alanine 158.
Molecular consequence: frameshift variant.
Genome position (GRCh38, 1-based): chr19:47,839,539, G deleted; the last of 2 consecutive G bases (chr19:47,839,538-47,839,539); deleting either gives the same sequence. VCF-style (leftmost placement, unchanged base first): chr19-47839537-TG-T. GRCh37 (hg19) VCF-style: chr19-48342794-TG-T.
Other names: short protein forms A158fs.
Identifiers: ClinVar variation 3758823 (VCV003758823.2).